The following is an entry in ClinVar:

NM_053025.4(MYLK):c.3868G>A (p.Glu1290Lys)

Gene: MYLK (myosin light chain kinase; minus strand). Cytogenetic location: 3q21.1.
Variant type: single nucleotide variant.
Coding change: c.3868G>A on transcript NM_053025.4 (MANE Select); coding-DNA position 3868, G replaced by A.
Protein change: p.Glu1290Lys; replaces glutamic acid 1290 with lysine.
Molecular consequence: missense variant.
Genome position (GRCh38, 1-based): chr3:123,664,222, C>T on the plus strand (G>A on the coding strand, the complement: MYLK is on the minus strand). VCF-style: chr3-123664222-C-T. GRCh37 (hg19) VCF-style: chr3-123383069-C-T.
Other names: c.3340G>A, p.Glu1114Lys (NM_001321309.2); c.3661G>A, p.Glu1221Lys (NM_053026.4, NM_053028.4); c.3868G>A, p.Glu1290Lys (NM_053027.4); short protein forms E1290K, E1114K, E1221K.
Identifiers: ClinVar variation 519967 (VCV000519967.19), dbSNP rs145953933, ClinGen allele CA070376.

ClinVar aggregate classification (germline): Conflicting classifications of pathogenicity. Review status: criteria provided, conflicting classifications (1 of 4 stars). 5 submissions from 5 submitters: Uncertain significance (3); Benign (1); Likely benign (1). Last evaluated 2026-02-09.

Conditions:
MYLK-related disorder. Also called: MYLK-related condition.
Aortic aneurysm, familial thoracic 7 (AAT7). Also called: AORTIC DISSECTION, FAMILIAL, WITH OR WITHOUT AORTIC ANEURYSM. Identifiers: MedGen C3151077, MONDO:0013418, OMIM 613780.
Familial thoracic aortic aneurysm and aortic dissection (TAAD). Also called: Thoracic aortic aneurysms and dissections. Identifiers: Orphanet 91387, MedGen C4707243, MONDO:0019625.

Allele frequency attached by ClinVar (database versions not stated): gnomAD 0.00035; TOPMed 0.00059; 1000 Genomes Project 0.00080; 1000 Genomes Project 30x 0.00094; gnomAD exomes 0.00006; ExAC 0.00007; ESP Exome Variant Server 0.00031.
gnomAD v4.1: 90 of 1,614,162 alleles (0.0056%); highest among the groups gnomAD compares: Admixed American, 0.08%; no homozygotes.

Submissions (5):

Women's Health and Genetics/Laboratory Corporation of America, LabCorp
Classification: Likely benign. Last evaluated: 2026-02-09. Review status: criteria provided, single submitter. Criteria: LabCorp Variant Classification Summary - May 2015. Collection method: clinical testing. Allele origin: germline.

Labcorp Genetics (formerly Invitae), Labcorp
Classification: Uncertain significance for Aortic aneurysm, familial thoracic 7. Last evaluated: 2025-12-31. Review status: criteria provided, single submitter. Criteria: Invitae Variant Classification Sherloc (09022015). Collection method: clinical testing. Allele origin: germline.
Comment: This sequence change replaces glutamic acid, which is acidic and polar, with lysine, which is basic and polar, at codon 1290 of the MYLK protein (p.Glu1290Lys). This variant is present in population databases (rs145953933, gnomAD 0.03%). This variant has not been reported in the literature in individuals affected with MYLK-related conditions. ClinVar contains an entry for this variant (Variation ID: 519967). Invitae Evidence Modeling of protein sequence and biophysical properties (such as structural, functional, and spatial information, amino acid conservation, physicochemical variation, residue mobility, and thermodynamic stability) indicates that this missense variant is not expected to disrupt MYLK protein function with a negative predictive value of 80%. In summary, the available evidence is currently insufficient to determine the role of this variant in disease. Therefore, it has been classified as a Variant of Uncertain Significance.

PreventionGenetics, part of Exact Sciences
Classification: Uncertain significance for MYLK-related condition. Last evaluated: 2025-03-11. Review status: criteria provided, single submitter. Criteria: ACMG Guidelines, 2015. Collection method: clinical testing. Allele origin: germline.
Comment: The MYLK c.3868G>A variant is predicted to result in the amino acid substitution p.Glu1290Lys. To our knowledge, this variant has not been reported in the literature. This variant is reported in 0.036% of alleles in individuals of African descent in gnomAD. At this time, the clinical significance of this variant is uncertain due to the absence of conclusive functional and genetic evidence.

GeneDx
Classification: Uncertain significance. Last evaluated: 2023-06-28. Review status: criteria provided, single submitter. Criteria: GeneDx Variant Classification Process June 2021. Collection method: clinical testing. Allele origin: germline. Affected: yes.
Comment: Has not been previously published as pathogenic or benign to our knowledge; In silico analysis supports that this missense variant has a deleterious effect on protein structure/function

Ambry Genetics
Classification: Benign for Familial thoracic aortic aneurysm and aortic dissection. Last evaluated: 2016-06-13. Review status: criteria provided, single submitter. Criteria: Ambry Variant Classification Scheme 2023. Collection method: clinical testing. Allele origin: germline.